The following is an entry in ClinVar:

NM_014806.5(RUSC2):c.2774G>A (p.Arg925Gln)

Gene: RUSC2 (RUN and SH3 domain containing 2; plus strand). Cytogenetic location: 9p13.3.
Variant type: single nucleotide variant.
Coding change: c.2774G>A on transcript NM_014806.5 (MANE Select); coding-DNA position 2774, G replaced by A.
Protein change: p.Arg925Gln; replaces arginine 925 with glutamine.
Molecular consequence: missense variant. On other transcripts: non-coding transcript variant (1).
Genome position (GRCh38, 1-based): chr9:35,556,069, G>A. VCF-style: chr9-35556069-G-A. GRCh37 (hg19) VCF-style: chr9-35556066-G-A.
Other names: c.2774G>A, p.Arg925Gln (NM_001135999.2); c.140G>A, p.Arg47Gln (NM_001330740.2); short protein forms R47Q, R925Q.
Identifiers: ClinVar variation 1436070 (VCV001436070.6), dbSNP rs141116165, ClinGen allele CA5043953.
Genomic context (GRCh38, chr9:35,556,069, plus strand): 5'-TAGGGCCACCTGGTTTGTCAGGGAGCCTAGACCGAAGATCACAAGAAGCTCGGCTGGCCC[G>A]AAGAAACCCTATCTTTGAGTTCCCTGGCTCCCTCAGTGCTGCCAGCCATCTGAACTGCCG-3'
Protein context (NP_055621.2, residues 915-935): DRRSQEARLA[Arg925Gln]RNPIFEFPGS

ClinVar aggregate classification (germline): Uncertain significance. Review status: criteria provided, multiple submitters, no conflicts (2 of 4 stars). 2 submissions from 2 submitters: Uncertain significance (2). Last evaluated 2024-11-18.

Allele frequency attached by ClinVar (database versions not stated): gnomAD exomes 0.00002 and 0.00006; ExAC 0.00006; ESP Exome Variant Server 0.00015; gnomAD 0.00017; TOPMed 0.00019; 1000 Genomes Project 0.00020; 1000 Genomes Project 30x 0.00031.
gnomAD v4.1: 62 of 1,614,180 alleles (0.0038%); highest among the groups gnomAD compares: African/African-American, 0.047%; no homozygotes.

Submissions (2):

Labcorp Genetics (formerly Invitae), Labcorp
Classification: Uncertain significance. Last evaluated: 2024-11-18. Review status: criteria provided, single submitter. Criteria: Invitae Variant Classification Sherloc (09022015). Collection method: clinical testing. Allele origin: germline.
Comment: This sequence change replaces arginine, which is basic and polar, with glutamine, which is neutral and polar, at codon 925 of the RUSC2 protein (p.Arg925Gln). This variant is present in population databases (rs141116165, gnomAD 0.07%). This variant has not been reported in the literature in individuals affected with RUSC2-related conditions. ClinVar contains an entry for this variant (Variation ID: 1436070). An algorithm developed to predict the effect of missense changes on protein structure and function (PolyPhen-2) suggests that this variant¬†is likely to be tolerated. Algorithms developed to predict the effect of sequence changes on RNA splicing suggest that this variant may disrupt the consensus splice site. In summary, the available evidence is currently insufficient to determine the role of this variant in disease. Therefore, it has been classified as a Variant of Uncertain Significance.

Greenwood Genetic Center Diagnostic Laboratories, Greenwood Genetic Center
Classification: Uncertain significance. Last evaluated: 2022-01-25. Review status: criteria provided, single submitter. Criteria: ACMG Guidelines, 2015. Collection method: clinical testing. Allele origin: germline. Affected: yes.
Comment: PP3, PM2